The following is an entry in ClinVar:

ClinVar aggregate classification (germline): Pathogenic (1 of 4 stars; one submission).

Conditions:
Pitt-Hopkins-like syndrome 2 (PTHSL2). Identifiers: Orphanet 221150, Orphanet 600663, MedGen C3280479, MONDO:0013690, OMIM 614325.

Submission:

Labcorp Genetics (formerly Invitae), Labcorp
Classification: Pathogenic for Pitt-Hopkins-like syndrome 2. Last evaluated: 2022-05-20. Review status: criteria provided, single submitter. Criteria: Invitae Variant Classification Sherloc (09022015). Collection method: clinical testing. Allele origin: germline.
Comment: For these reasons, this variant has been classified as Pathogenic. This variant has not been reported in the literature in individuals affected with NRXN1-related conditions. This variant is not present in population databases (gnomAD no frequency). This sequence change creates a premature translational stop signal (p.Met447Profs*43) in the NRXN1 gene. It is expected to result in an absent or disrupted protein product. Loss-of-function variants in NRXN1 are known to be pathogenic (PMID: 19896112, 21964664, 23495017, 23533028, 25149956, 30031152).

Literature cited by the submitters: PubMed 19896112; PubMed 21964664; PubMed 23495017; PubMed 23533028; PubMed 25149956; PubMed 30031152.

NM_001330078.2(NRXN1):c.1216_1217dup (p.Met407fs)

Gene: NRXN1 (neurexin 1; minus strand). Cytogenetic location: 2p16.3.
Variant type: Duplication.
Coding change: c.1216_1217dup on transcript NM_001330078.2 (MANE Select); coding-DNA positions 1216 to 1217, 2 bases duplicated (AC; older notation c.1216_1217dupAC).
Protein change: p.Met407fs; shifts the reading frame from methionine 407.
Molecular consequence: frameshift variant.
Genome position (GRCh38, 1-based): chr2:50,620,125-50,620,126, GT duplicated on the plus strand (AC on the coding strand, the reverse complement: NRXN1 is on the minus strand). VCF-style (leftmost placement, unchanged base first): chr2-50620124-G-GGT. GRCh37 (hg19) VCF-style: chr2-50847262-G-GGT.
Other names: c.1336_1337dup, p.Met447fs (NM_001135659.3); c.1192_1193dup, p.Met399fs (NM_001330077.2, NM_001330082.2, NM_001330095.2); c.1177_1178dup, p.Met394fs (NM_001330083.2, NM_001330084.2); c.1216_1217dup, p.Met407fs (NM_001330085.2, NM_001330086.2, NM_004801.6); c.1132_1133dup, p.Met379fs (NM_001330087.2, NM_001330096.2); c.1162_1163dup, p.Met389fs (NM_001330088.2); c.1213_1214dup, p.Met406fs (NM_001330093.2); c.1204_1205dup, p.Met403fs (NM_001330094.2); short protein forms M379fs, M406fs, M389fs, M394fs, M399fs, M407fs, M403fs, M447fs.
Identifiers: ClinVar variation 2130443 (VCV002130443.4), dbSNP rs2466814183, ClinGen allele CA2580067226.
Genomic context (GRCh38, chr2:50,620,124, plus strand): 5'-TGGAAGGTCGGCTGTGCTGGGACTGCCTCCAACATAGAAAAAGTCATCAGACCCCAGCAT[G>GGT]GTATAATCTTCTTGCGTGTAGCCCGTTGTGGTAAGAATCCCATCCACTGATATTGTCACC-3'